The following is an entry in ClinVar:

ClinVar aggregate classification (germline): Likely benign (0 of 4 stars; one submission).

Conditions:
SRP72-related disorder. Also called: SRP72-related condition.

gnomAD v4.1: 1 of 1,613,890 alleles (0.000062%); no homozygotes.

Submission:

PreventionGenetics, part of Exact Sciences
Classification: Likely benign for SRP72-related condition. Last evaluated: 2023-12-06. Review status: no assertion criteria provided. Collection method: clinical testing. Allele origin: germline.
Comment: This variant is classified as likely benign based on ACMG/AMP sequence variant interpretation guidelines (Richards et al. 2015 PMID: 25741868, with internal and published modifications).

NM_006947.4(SRP72):c.1620T>C (p.Asp540=)

Gene: SRP72 (signal recognition particle 72; plus strand). Cytogenetic location: 4q12.
Variant type: single nucleotide variant.
Coding change: c.1620T>C on transcript NM_006947.4 (MANE Select); coding-DNA position 1620, T replaced by C.
Protein change: p.Asp540=; no amino-acid change (aspartic acid 540 retained).
Molecular consequence: synonymous variant. On other transcripts: non-coding transcript variant (1).
Genome position (GRCh38, 1-based): chr4:56,491,548, T>C. VCF-style: chr4-56491548-T-C. GRCh37 (hg19) VCF-style: chr4-57357714-T-C.
Other names: c.1437T>C, p.Asp479= (NM_001267722.2).
Identifiers: ClinVar variation 3050893 (VCV003050893.2), dbSNP rs2545768940, ClinGen allele CA439505478.